The following is an entry in ClinVar:

ClinVar aggregate classification (germline): Uncertain significance (1 of 4 stars; one submission).

Conditions:
Kleefstra syndrome 1 (KLEFS1). Identifiers: Orphanet 261494, MedGen C0795833, MONDO:0027407, OMIM 610253.

Allele frequency attached by ClinVar (database versions not stated): gnomAD exomes below 0.00001; gnomAD 0.00001; TOPMed below 0.00001; ExAC 0.00001.
gnomAD v4.1: 3 of 1,612,818 alleles (0.00019%); highest among the groups gnomAD compares: Non-Finnish European, 0.00025%; no homozygotes.

Submission:

Labcorp Genetics (formerly Invitae), Labcorp
Classification: Uncertain significance for Kleefstra syndrome 1. Last evaluated: 2023-08-14. Review status: criteria provided, single submitter. Criteria: Invitae Variant Classification Sherloc (09022015). Collection method: clinical testing. Allele origin: germline.
Comment: This sequence change replaces arginine, which is basic and polar, with glycine, which is neutral and non-polar, at codon 1116 of the EHMT1 protein (p.Arg1116Gly). In summary, the available evidence is currently insufficient to determine the role of this variant in disease. Therefore, it has been classified as a Variant of Uncertain Significance. Advanced modeling of protein sequence and biophysical properties (such as structural, functional, and spatial information, amino acid conservation, physicochemical variation, residue mobility, and thermodynamic stability) performed at Invitae indicates that this missense variant is not expected to disrupt EHMT1 protein function. This variant has not been reported in the literature in individuals affected with EHMT1-related conditions. The frequency data for this variant in the population databases is considered unreliable, as metrics indicate poor data quality at this position in the gnomAD database.

NM_024757.5(EHMT1):c.3346C>G (p.Arg1116Gly)

Gene: EHMT1 (euchromatic histone lysine methyltransferase 1; plus strand). Cytogenetic location: 9q34.3.
Variant type: single nucleotide variant.
Coding change: c.3346C>G on transcript NM_024757.5 (MANE Select); coding-DNA position 3346, C replaced by G.
Protein change: p.Arg1116Gly; replaces arginine 1116 with glycine.
Molecular consequence: missense variant.
Genome position (GRCh38, 1-based): chr9:137,816,034, C>G. VCF-style: chr9-137816034-C-G. GRCh37 (hg19) VCF-style: chr9-140710486-C-G.
Other names: c.3325C>G, p.Arg1109Gly (NM_001354263.2); short protein forms R1116G, R1109G.
Identifiers: ClinVar variation 2789618 (VCV002789618.3), dbSNP rs749848324, ClinGen allele CA5375263.
Genomic context (GRCh38, chr9:137,816,034, plus strand): 5'-ATGGCGGAGCCTCCCTTGATCTTCGAATGCAACCACGCGTGCTCCTGCTGGAGGAACTGC[C>G]GAAATCGCGTCGTACAGAATGGTCTCAGGTGAGAGGCAGCTTCCTGCCGGAGCCCCACAT-3'
Protein context (NP_079033.4, residues 1106-1126): NHACSCWRNC[Arg1116Gly]NRVVQNGLRA